The following is an entry in ClinVar:

NM_003356.4(UCP3):c.549G>C (p.Leu183Phe)

Genes: UCP3 (uncoupling protein 3; minus strand), LOC126861261 (MED14-independent group 3 enhancer GRCh37_chr11:73715060-73716259; plus strand). Cytogenetic location: 11q13.4.
Variant type: single nucleotide variant.
Coding change: c.549G>C on transcript NM_003356.4 (MANE Select); coding-DNA position 549, G replaced by C.
Protein change: p.Leu183Phe; replaces leucine 183 with phenylalanine.
Molecular consequence: missense variant.
Genome position (GRCh38, 1-based): chr11:74,004,578, C>G on the plus strand (G>C on the coding strand, the complement: UCP3 is on the minus strand). VCF-style: chr11-74004578-C-G. GRCh37 (hg19) VCF-style: chr11-73715623-C-G.
Other names: c.549G>C, p.Leu183Phe (NM_022803.3); short protein forms L183F.
Identifiers: ClinVar variation 2628738 (VCV002628738.3), dbSNP rs143643530, ClinGen allele CA6181439.

ClinVar aggregate classification (germline): Uncertain significance (0 of 4 stars; one submission).

Conditions:
UCP3-related disorder. Also called: UCP3-related condition.

Allele frequency attached by ClinVar (database versions not stated): ExAC 0.00002; gnomAD 0.00003; TOPMed 0.00003; ESP Exome Variant Server 0.00008.
gnomAD v4.1: 8 of 1,610,930 alleles (0.0005%); highest among the groups gnomAD compares: African/African-American, 0.011%; no homozygotes.

Submission:

PreventionGenetics, part of Exact Sciences
Classification: Uncertain significance for UCP3-related condition. Last evaluated: 2024-03-01. Review status: no assertion criteria provided. Collection method: clinical testing. Allele origin: germline.
Comment: The UCP3 c.549G>C variant is predicted to result in the amino acid substitution p.Leu183Phe. To our knowledge, this variant has not been reported in the literature. This variant is reported in 0.012% of alleles in individuals of African descent in gnomAD. At this time, the clinical significance of this variant is uncertain due to the absence of conclusive functional and genetic evidence.